The following is an entry in ClinVar:

NM_006180.6(NTRK2):c.583+8A>G

Gene: NTRK2 (neurotrophic receptor tyrosine kinase 2; plus strand). Cytogenetic location: 9q21.33.
Variant type: single nucleotide variant.
Coding change: c.583+8A>G on transcript NM_006180.6 (MANE Select); 8 bases into the intron after coding-DNA position 583, A replaced by G.
Molecular consequence: intron variant.
Genome position (GRCh38, 1-based): chr9:84,710,799, A>G. VCF-style: chr9-84710799-A-G. GRCh37 (hg19) VCF-style: chr9-87325714-A-G.
Other names: c.583+8A>G (NM_006180.4, NM_001369532.1, NM_001369533.1 and 19 more transcripts); c.115+8A>G (NM_001369536.1, NM_001369535.1, NM_001369550.1 and 2 more transcripts).
Identifiers: ClinVar variation 1672697 (VCV001672697.10), dbSNP rs200213061, ClinGen allele CA5105526.
Genomic context (GRCh38, chr9:84,710,799, plus strand): 5'-GAATGAAAGCAGCAAGAATATTCCCCTGGCAAACCTGCAGATACCCAATTGTGGTAATTT[A>G]TTTTTAAATCAATGTGTTCTAGTTGCTATTAATTATTCTCATTGCCTTGGTGCGGTAGTC-3'

ClinVar aggregate classification (germline): Likely benign. Review status: criteria provided, multiple submitters, no conflicts (2 of 4 stars). 3 submissions from 3 submitters: Likely benign (2). 1 of the submissions does not count toward it. Last evaluated 2025-02-10.

Conditions:
NTRK2-related disorder. Also called: NTRK2-related condition.

Allele frequency attached by ClinVar (database versions not stated): gnomAD 0.00001; TOPMed 0.00002; gnomAD exomes 0.00004; ExAC 0.00007.
gnomAD v4.1: 34 of 1,613,860 alleles (0.0021%); highest among the groups gnomAD compares: Non-Finnish European, 0.0014%; no homozygotes.

Submissions (3):

Labcorp Genetics (formerly Invitae), Labcorp
Classification: Likely benign. Last evaluated: 2025-02-10. Review status: criteria provided, single submitter. Criteria: Invitae Variant Classification Sherloc (09022015). Collection method: clinical testing. Allele origin: germline.

Blueprint Genetics
Classification: Likely benign. Last evaluated: 2024-07-04. Review status: criteria provided, single submitter. Criteria: ACMG Guidelines, 2015. Collection method: clinical testing. Allele origin: germline.

PreventionGenetics, part of Exact Sciences
Classification: Likely benign for NTRK2-related condition. Last evaluated: 2024-07-09. Review status: no assertion criteria provided. Collection method: clinical testing. Allele origin: germline. Not counted in ClinVar's aggregate classification.
Comment: This variant is classified as likely benign based on ACMG/AMP sequence variant interpretation guidelines (Richards et al. 2015 PMID: 25741868, with internal and published modifications).